The following is an entry in ClinVar:

NM_206933.4(USH2A):c.6599del (p.Phe2200fs)

Gene: USH2A (usherin; minus strand). Cytogenetic location: 1q41.
Variant type: Deletion.
Coding change: c.6599del on transcript NM_206933.4 (MANE Select); coding-DNA position 6599, one base deleted (T; older notation c.6599delT).
Protein change: p.Phe2200fs; shifts the reading frame from phenylalanine 2200.
Molecular consequence: frameshift variant.
Genome position (GRCh38, 1-based): chr1:215,998,945, A deleted on the plus strand (T on the coding strand, the reverse complement: USH2A is on the minus strand); the first of 4 consecutive A bases (chr1:215,998,945-215,998,948); deleting any one gives the same sequence. VCF-style (leftmost placement, unchanged base first): chr1-215998944-GA-G. GRCh37 (hg19) VCF-style: chr1-216172286-GA-G.
Other names: short protein forms F2200fs.
Identifiers: ClinVar variation 4817138 (VCV004817138.1).
Genomic context (GRCh38, chr1:215,998,944, plus strand): 5'-TACTCCCAGCTTGATGAGATATTTATTACCAGGTAAAACGTATTGTAGCATATGATCCTG[GA>G]AAAGTTCTGTACTGTTATAGATGACACTCCAAATTGTAAAATCATGTGTATGGTTTGACA-3'

ClinVar aggregate classification (germline): Likely pathogenic (1 of 4 stars; one submission).

Conditions:
Usher syndrome type 2A. Also called: RETINAL DISEASE IN USHER SYNDROME TYPE IIA, MODIFIER OF; USHER SYNDROME, TYPE IIA. Identifiers: Orphanet 231178, Orphanet 886, MedGen C1848634, MONDO:0010169, OMIM 276901.

Submission:

Natera, Inc.
Classification: Likely pathogenic for Usher syndrome type 2A. Last evaluated: 2025-02-20. Review status: criteria provided, single submitter. Criteria: Natera Variant Classification Schema (03/2026). Collection method: clinical testing. Allele origin: germline.
Comment: The c.6599del variant in USH2A is a frameshift variant predicted to shift the reading frame beginning at codon 2200 and leads to a stop codon 29 codons downstream. This variant is expected to result in nonsense mediated decay, truncation, or a dysfunctional protein product. This variant is rare in the general population with a frequency below the threshold expected for the associated phenotype(s). Given the available evidence, this variant is classified as Likely Pathogenic.